The following is an entry in ClinVar:

NM_003151.4(STAT4):c.1043T>C (p.Ile348Thr)

Gene: STAT4 (signal transducer and activator of transcription 4; minus strand). Cytogenetic location: 2q32.2.
Variant type: single nucleotide variant.
Coding change: c.1043T>C on transcript NM_003151.4 (MANE Select); coding-DNA position 1043, T replaced by C.
Protein change: p.Ile348Thr; replaces isoleucine 348 with threonine.
Molecular consequence: missense variant.
Genome position (GRCh38, 1-based): chr2:191,058,761, A>G on the plus strand (T>C on the coding strand, the complement: STAT4 is on the minus strand). VCF-style: chr2-191058761-A-G. GRCh37 (hg19) VCF-style: chr2-191923487-A-G.
Other names: c.1043T>C (NM_003151.3); c.1043T>C, p.Ile348Thr (NM_001243835.2); short protein forms I348T.
Identifiers: ClinVar variation 2878961 (VCV002878961.4), dbSNP rs1374240747, ClinGen allele CA349914319.

ClinVar aggregate classification (germline): Uncertain significance. Review status: criteria provided, multiple submitters, no conflicts (2 of 4 stars). 2 submissions from 2 submitters: Uncertain significance (2). Last evaluated 2025-09-26.

Allele frequency attached by ClinVar (database versions not stated): TOPMed below 0.00001; gnomAD exomes 0.00001.
gnomAD v4.1: 11 of 1,582,980 alleles (0.00069%); highest among the groups gnomAD compares: Non-Finnish European, 0.00095%; no homozygotes.

Submissions (2):

Ambry Genetics
Classification: Uncertain significance. Last evaluated: 2025-09-26. Review status: criteria provided, single submitter. Criteria: Ambry Variant Classification Scheme 2023. Collection method: clinical testing. Allele origin: germline.

Labcorp Genetics (formerly Invitae), Labcorp
Classification: Uncertain significance. Last evaluated: 2023-05-12. Review status: criteria provided, single submitter. Criteria: Invitae Variant Classification Sherloc (09022015). Collection method: clinical testing. Allele origin: germline.
Comment: This sequence change replaces isoleucine, which is neutral and non-polar, with threonine, which is neutral and polar, at codon 348 of the STAT4 protein (p.Ile348Thr). Advanced modeling of protein sequence and biophysical properties (such as structural, functional, and spatial information, amino acid conservation, physicochemical variation, residue mobility, and thermodynamic stability) performed at Invitae indicates that this missense variant is expected to disrupt STAT4 protein function. This variant is present in population databases (no rsID available, gnomAD 0.0009%). This variant has not been reported in the literature in individuals affected with STAT4-related conditions. In summary, the available evidence is currently insufficient to determine the role of this variant in disease. Therefore, it has been classified as a Variant of Uncertain Significance.